The following is an entry in ClinVar:

ClinVar aggregate classification (germline): Uncertain significance (1 of 4 stars; one submission).

Allele frequency attached by ClinVar (database versions not stated): gnomAD exomes below 0.00001; ExAC 0.00001; gnomAD 0.00001; TOPMed 0.00002; 1000 Genomes Project 30x 0.00016; 1000 Genomes Project 0.00020.
gnomAD v4.1: 5 of 1,614,112 alleles (0.00031%); highest among the groups gnomAD compares: African/African-American, 0.0067%; no homozygotes.

Submission:

Labcorp Genetics (formerly Invitae), Labcorp
Classification: Uncertain significance. Last evaluated: 2024-06-20. Review status: criteria provided, single submitter. Criteria: Invitae Variant Classification Sherloc (09022015). Collection method: clinical testing. Allele origin: germline.
Comment: This sequence change replaces leucine, which is neutral and non-polar, with phenylalanine, which is neutral and non-polar, at codon 131 of the FAT2 protein (p.Leu131Phe). This variant is present in population databases (rs546401029, gnomAD 0.01%). This variant has not been reported in the literature in individuals affected with FAT2-related conditions. An algorithm developed to predict the effect of missense changes on protein structure and function (PolyPhen-2) suggests that this variant is likely to be tolerated. In summary, the available evidence is currently insufficient to determine the role of this variant in disease. Therefore, it has been classified as a Variant of Uncertain Significance.

NM_001447.3(FAT2):c.393G>C (p.Leu131Phe)

Gene: FAT2 (FAT atypical cadherin 2; minus strand). Cytogenetic location: 5q33.1.
Variant type: single nucleotide variant.
Coding change: c.393G>C on transcript NM_001447.3 (MANE Select); coding-DNA position 393, G replaced by C.
Protein change: p.Leu131Phe; replaces leucine 131 with phenylalanine.
Molecular consequence: missense variant.
Genome position (GRCh38, 1-based): chr5:151,568,539, C>G on the plus strand (G>C on the coding strand, the complement: FAT2 is on the minus strand). VCF-style: chr5-151568539-C-G. GRCh37 (hg19) VCF-style: chr5-150948100-C-G.
Other names: short protein forms L131F.
Identifiers: ClinVar variation 2972642 (VCV002972642.3), dbSNP rs546401029, ClinGen allele CA3522449.